The following is an entry in ClinVar:

ClinVar aggregate classification (germline): Likely benign. Review status: criteria provided, single submitter (1 of 4 stars). 2 submissions from 2 submitters: Likely benign (1). 1 of the submissions does not count toward it. Last evaluated 2024-11-07.

Conditions:
LNPK-related disorder. Also called: LNPK-related condition.

Allele frequency attached by ClinVar (database versions not stated): TOPMed 0.00003; gnomAD 0.00013; gnomAD exomes 0.00024; 1000 Genomes Project 30x 0.00047; ExAC 0.00050; 1000 Genomes Project 0.00060.
gnomAD v4.1: 368 of 1,614,164 alleles (0.023%); highest among the groups gnomAD compares: South Asian, 0.38%; 2 homozygotes.

Submissions (2):

Blueprint Genetics
Classification: Likely benign. Last evaluated: 2024-11-07. Review status: criteria provided, single submitter. Criteria: ACMG Guidelines, 2015. Collection method: clinical testing. Allele origin: germline.

PreventionGenetics, part of Exact Sciences
Classification: Likely benign for LNPK-related condition. Last evaluated: 2019-04-26. Review status: no assertion criteria provided. Collection method: clinical testing. Allele origin: germline. Not counted in ClinVar's aggregate classification.
Comment: This variant is classified as likely benign based on ACMG/AMP sequence variant interpretation guidelines (Richards et al. 2015 PMID: 25741868, with internal and published modifications).

NM_030650.3(LNPK):c.1179A>G (p.Gln393=)

Gene: LNPK (lunapark, ER junction formation factor; minus strand). Cytogenetic location: 2q31.1.
Variant type: single nucleotide variant.
Coding change: c.1179A>G on transcript NM_030650.3 (MANE Select); coding-DNA position 1179, A replaced by G.
Protein change: p.Gln393=; no amino-acid change (glutamine 393 retained).
Molecular consequence: synonymous variant. On other transcripts: non-coding transcript variant (1).
Genome position (GRCh38, 1-based): chr2:175,930,075, T>C on the plus strand (A>G on the coding strand, the complement: LNPK is on the minus strand). VCF-style: chr2-175930075-T-C. GRCh37 (hg19) VCF-style: chr2-176794803-T-C.
Other names: c.1377A>G, p.Gln459= (NM_001305008.1); c.1272A>G, p.Gln424= (NM_001305009.1); c.1185A>G, p.Gln395= (NM_001305010.1); c.810A>G, p.Gln270= (NM_001305011.2).
Identifiers: ClinVar variation 3057470 (VCV003057470.3), dbSNP rs556834285, ClinGen allele CA1975790.